The following is an entry in ClinVar:

NM_006073.4(TRDN):c.1426A>G (p.Ile476Val)

Gene: TRDN (triadin; minus strand). Cytogenetic location: 6q22.31.
Variant type: single nucleotide variant.
Coding change: c.1426A>G on transcript NM_006073.4 (MANE Select); coding-DNA position 1426, A replaced by G.
Protein change: p.Ile476Val; replaces isoleucine 476 with valine.
Molecular consequence: missense variant.
Genome position (GRCh38, 1-based): chr6:123,331,924, T>C on the plus strand (A>G on the coding strand, the complement: TRDN is on the minus strand). VCF-style: chr6-123331924-T-C. GRCh37 (hg19) VCF-style: chr6-123653069-T-C.
Other names: short protein forms I476V.
Identifiers: ClinVar variation 1952271 (VCV001952271.3), dbSNP rs1307730291, ClinGen allele CA365563965.
Genomic context (GRCh38, chr6:123,331,924, plus strand): 5'-ATTGTATAATATTACCTTTTTCCTTTAGGGAAGCTGGAACTTTCTCTTCTTTCCCTTTAA[T>C]AGGTTCTGAAAAGAAACATCGGACATTTATTTGAAGCCAAGACAAAGAGATTTTCAGATA-3'
Protein context (NP_006064.2, residues 466-486): TSSILKDKEP[Ile476Val]KGKEEKVPAS

ClinVar aggregate classification (germline): Uncertain significance (1 of 4 stars; one submission).

Conditions:
Catecholaminergic polymorphic ventricular tachycardia 1. Also called: VENTRICULAR TACHYCARDIA, CATECHOLAMINERGIC POLYMORPHIC, 1, WITH OR WITHOUT ATRIAL DYSFUNCTION AND/OR DILATED CARDIOMYOPATHY; VENTRICULAR TACHYCARDIA, STRESS-INDUCED POLYMORPHIC 1; RYR2-Related Catecholaminergic Polymorphic Ventricular Tachycardia. Identifiers: Orphanet 3286, MedGen C1631597, MONDO:0011484, OMIM 604772.

Allele frequency attached by ClinVar (database versions not stated): TOPMed below 0.00001; gnomAD exomes 0.00001.
gnomAD v4.1: 10 of 1,544,368 alleles (0.00065%); highest among the groups gnomAD compares: East Asian, 0.0024%; no homozygotes.

Submission:

Labcorp Genetics (formerly Invitae), Labcorp
Classification: Uncertain significance for Catecholaminergic polymorphic ventricular tachycardia 1. Last evaluated: 2024-10-07. Review status: criteria provided, single submitter. Criteria: Invitae Variant Classification Sherloc (09022015). Collection method: clinical testing. Allele origin: germline.
Comment: This sequence change replaces isoleucine, which is neutral and non-polar, with valine, which is neutral and non-polar, at codon 476 of the TRDN protein (p.Ile476Val). The frequency data for this variant in the population databases is considered unreliable, as metrics indicate poor data quality at this position in the gnomAD database. This variant has not been reported in the literature in individuals affected with TRDN-related conditions. ClinVar contains an entry for this variant (Variation ID: 1952271). Invitae Evidence Modeling of protein sequence and biophysical properties (such as structural, functional, and spatial information, amino acid conservation, physicochemical variation, residue mobility, and thermodynamic stability) indicates that this missense variant is not expected to disrupt TRDN protein function with a negative predictive value of 80%. In summary, the available evidence is currently insufficient to determine the role of this variant in disease. Therefore, it has been classified as a Variant of Uncertain Significance.